The following is an entry in ClinVar:

NM_000553.6(WRN):c.4092A>C (p.Gln1364His)

Gene: WRN (WRN RecQ like helicase; plus strand). Cytogenetic location: 8p12.
Variant type: single nucleotide variant.
Coding change: c.4092A>C on transcript NM_000553.6 (MANE Select); coding-DNA position 4092, A replaced by C.
Protein change: p.Gln1364His; replaces glutamine 1364 with histidine.
Molecular consequence: missense variant.
Genome position (GRCh38, 1-based): chr8:31,167,131, A>C. VCF-style: chr8-31167131-A-C. GRCh37 (hg19) VCF-style: chr8-31024647-A-C.
Other names: short protein forms Q1364H.
Identifiers: ClinVar variation 1471405 (VCV001471405.8), dbSNP rs1432031007, ClinGen allele CA370909443.

ClinVar aggregate classification (germline): Uncertain significance (1 of 4 stars; one submission).

Conditions:
Werner syndrome (WRN). Identifiers: Orphanet 902, MedGen C0043119, MONDO:0010196, OMIM 277700.

Submission:

Labcorp Genetics (formerly Invitae), Labcorp
Classification: Uncertain significance for Werner syndrome. Last evaluated: 2021-06-26. Review status: criteria provided, single submitter. Criteria: Invitae Variant Classification Sherloc (09022015). Collection method: clinical testing. Allele origin: germline.
Comment: Algorithms developed to predict the effect of missense changes on protein structure and function output the following: SIFT: "Not Available"; PolyPhen-2: "Benign"; Align-GVGD: "Not Available". The histidine amino acid residue is found in multiple mammalian species, suggesting that this missense change does not adversely affect protein function. These predictions have not been confirmed by published functional studies and their clinical significance is uncertain. In summary, the available evidence is currently insufficient to determine the role of this variant in disease. Therefore, it has been classified as a Variant of Uncertain Significance. This variant has not been reported in the literature in individuals with WRN-related conditions. This sequence change replaces glutamine with histidine at codon 1364 of the WRN protein (p.Gln1364His). The glutamine residue is moderately conserved and there is a small physicochemical difference between glutamine and histidine. This variant is not present in population databases (ExAC no frequency).